The following is an entry in ClinVar:

NM_000334.4(SCN4A):c.3136G>T (p.Gly1046Trp)

Genes: GH-LCR (growth hormone locus control region; plus strand), SCN4A (sodium voltage-gated channel alpha subunit 4; minus strand). Cytogenetic location: 17q23.3.
Variant type: single nucleotide variant.
Coding change: c.3136G>T on transcript NM_000334.4 (MANE Select); coding-DNA position 3136, G replaced by T.
Protein change: p.Gly1046Trp; replaces glycine 1046 with tryptophan.
Molecular consequence: missense variant.
Genome position (GRCh38, 1-based): chr17:63,948,619, C>A on the plus strand (G>T on the coding strand, the complement: SCN4A is on the minus strand). VCF-style: chr17-63948619-C-A. GRCh37 (hg19) VCF-style: chr17-62025979-C-A.
Other names: short protein forms G1046W.
Identifiers: ClinVar variation 324524 (VCV000324524.56), dbSNP rs759982229, ClinGen allele CA8709386.

ClinVar aggregate classification (germline): Conflicting classifications of pathogenicity. Review status: criteria provided, conflicting classifications (1 of 4 stars). 12 submissions from 8 submitters: Uncertain significance (7); Likely benign (5). Last evaluated 2026-01-27.

Conditions:
Inborn genetic diseases. Identifiers: MedGen C0950123, MeSH D030342.
Hyperkalemic periodic paralysis. Also called: Familial hyperkalemic periodic paralysis; Gamstorp disease. Identifiers: Orphanet 682, MedGen C0238357, MONDO:0008224, OMIM 170500, HP:0007215.
Congenital myasthenic syndrome 16. Identifiers: Orphanet 590, MedGen C3280112, MONDO:0013620, OMIM 614198.
Paramyotonia congenita of Von Eulenburg. Also called: Paramyotonia Congenita; PARALYSIS PERIODICA PARAMYOTONICA; Eulenburg disease; Myotonia congenita intermittens; Von Eulenburg paramyotonia congenita. Identifiers: Orphanet 684, MedGen C0221055, MONDO:0008195, OMIM 168300. Disease mechanism: loss of function.
Potassium-aggravated myotonia. Also called: Myotonia congenita, atypical, acetazolamide-responsive; MYOTONIA CONGENITA, ACETAZOLAMIDE-RESPONSIVE; MYOTONIA CONGENITA, ATYPICAL; SODIUM CHANNEL MUSCLE DISEASE. Identifiers: Orphanet 612, Orphanet 99734, Orphanet 99735, Orphanet 99736, MedGen C2931826, MONDO:0018959, OMIM 608390.
Hypokalemic periodic paralysis, type 2 (HOKPP2). Identifiers: Orphanet 681, MedGen C2750061, MONDO:0013234, OMIM 613345.

Allele frequency attached by ClinVar (database versions not stated): gnomAD 0.00009; ExAC 0.00009; TOPMed 0.00004; gnomAD exomes 0.00008.
gnomAD v4.1: 85 of 1,613,356 alleles (0.0053%); highest among the groups gnomAD compares: Non-Finnish European, 0.0066%; no homozygotes.

Submissions (12):

Labcorp Genetics (formerly Invitae), Labcorp
Classification: Uncertain significance for Hyperkalemic periodic paralysis. Last evaluated: 2026-01-27. Review status: criteria provided, single submitter. Criteria: Invitae Variant Classification Sherloc (09022015). Collection method: clinical testing. Allele origin: germline.
Comment: This sequence change replaces glycine, which is neutral and non-polar, with tryptophan, which is neutral and slightly polar, at codon 1046 of the SCN4A protein (p.Gly1046Trp). This variant is present in population databases (rs759982229, gnomAD 0.02%). This variant has not been reported in the literature in individuals affected with SCN4A-related conditions. ClinVar contains an entry for this variant (Variation ID: 324524). Invitae Evidence Modeling of protein sequence and biophysical properties (such as structural, functional, and spatial information, amino acid conservation, physicochemical variation, residue mobility, and thermodynamic stability) indicates that this missense variant is expected to disrupt SCN4A protein function with a positive predictive value of 80%. In summary, the available evidence is currently insufficient to determine the role of this variant in disease. Therefore, it has been classified as a Variant of Uncertain Significance.

Blueprint Genetics
Classification: Uncertain significance. Last evaluated: 2024-09-17. Review status: criteria provided, single submitter. Criteria: ACMG Guidelines, 2015. Collection method: clinical testing. Allele origin: germline.

Revvity Omics, Revvity
Classification: Uncertain significance. Last evaluated: 2024-02-06. Review status: criteria provided, single submitter. Criteria: ACMG Guidelines, 2015. Collection method: clinical testing. Allele origin: germline.

GeneDx
Classification: Uncertain significance. Last evaluated: 2021-12-06. Review status: criteria provided, single submitter. Criteria: GeneDx Variant Classification Process June 2021. Collection method: clinical testing. Allele origin: germline. Affected: yes.
Comment: In silico analysis supports that this missense variant has a deleterious effect on protein structure/function; Has not been previously published as pathogenic or benign to our knowledge

Ambry Genetics
Classification: Uncertain significance for Inborn genetic diseases. Last evaluated: 2021-06-22. Review status: criteria provided, single submitter. Criteria: Ambry Variant Classification Scheme 2023. Collection method: clinical testing. Allele origin: germline.

CeGaT Center for Human Genetics Tuebingen
Classification: Uncertain significance. Last evaluated: 2021-02-01. Review status: criteria provided, single submitter. Criteria: CeGaT Center For Human Genetics Tuebingen Variant Classification Criteria Version 2. Collection method: clinical testing. Allele origin: germline. Affected: yes. Observed: 1 variant allele.

Illumina Laboratory Services, Illumina
Classification: Likely benign for Paramyotonia congenita of Von Eulenburg. Last evaluated: 2018-01-12. Review status: criteria provided, single submitter. Criteria: ICSL Variant Classification Criteria 13 December 2019. Collection method: clinical testing. Allele origin: germline.
Comment: This variant was observed in the ICSL laboratory as part of a predisposition screen in an ostensibly healthy population. It had not been previously curated by ICSL or reported in the Human Gene Mutation Database (HGMD: prior to June 1st, 2018), and was therefore a candidate for classification through an automated scoring system. Utilizing variant allele frequency, disease prevalence and penetrance estimates, and inheritance mode, an automated score was calculated to assess if this variant is too frequent to cause the disease. Based on the score and internal cut-off values, a variant classified as likely benign is not then subjected to further curation. The score for this variant resulted in a classification of likely benign for this disease.

Illumina Laboratory Services, Illumina
Classification: Likely benign for Potassium-aggravated myotonia. Last evaluated: 2018-01-12. Review status: criteria provided, single submitter. Criteria: ICSL Variant Classification Criteria 13 December 2019. Collection method: clinical testing. Allele origin: germline.
Comment: the same text as in the submission from Illumina Laboratory Services, Illumina above.

Illumina Laboratory Services, Illumina
Classification: Likely benign for Hypokalemic periodic paralysis, type 2. Last evaluated: 2018-01-12. Review status: criteria provided, single submitter. Criteria: ICSL Variant Classification Criteria 13 December 2019. Collection method: clinical testing. Allele origin: germline.
Comment: the same text as in the submission from Illumina Laboratory Services, Illumina above.

Illumina Laboratory Services, Illumina
Classification: Uncertain significance for Congenital myasthenic syndrome 16. Last evaluated: 2018-01-12. Review status: criteria provided, single submitter. Criteria: ICSL Variant Classification Criteria 13 December 2019. Collection method: clinical testing. Allele origin: germline.

Illumina Laboratory Services, Illumina
Classification: Likely benign for Hyperkalemic periodic paralysis. Last evaluated: 2018-01-12. Review status: criteria provided, single submitter. Criteria: ICSL Variant Classification Criteria 13 December 2019. Collection method: clinical testing. Allele origin: germline.
Comment: the same text as in the submission from Illumina Laboratory Services, Illumina above.

Athena Diagnostics
Classification: Likely benign. Last evaluated: 2016-12-31. Review status: criteria provided, single submitter. Criteria: Athena Diagnostics Criteria. Collection method: clinical testing. Allele origin: germline.